The following is an entry in ClinVar:

ClinVar aggregate classification (germline): Likely pathogenic (1 of 4 stars; one submission).

Conditions:
Asphyxiating thoracic dystrophy 3. Also called: SHORT-RIB THORACIC DYSPLASIA 3 WITH OR WITHOUT POLYDACTYLY; POLYDACTYLY WITH NEONATAL CHONDRODYSTROPHY, TYPE I; SHORT-RIB THORACIC DYSPLASIA 3/6 WITH POLYDACTYLY, DIGENIC; Short rib polydactyly syndrome 2B; Saldino-Noonan Syndrome. Identifiers: Orphanet 474, Orphanet 93269, Orphanet 93270, Orphanet 93271, MedGen C0036069, MONDO:0013127, OMIM 613091.

Submission:

3billion
Classification: Likely pathogenic for Asphyxiating thoracic dystrophy 3. Last evaluated: 2024-07-12. Review status: criteria provided, single submitter. Criteria: ACMG Guidelines, 2015. Collection method: clinical testing. Allele origin: germline. Affected: yes.
Comment: The variant is observed at an extremely low frequency in the gnomAD v4.0.0 dataset (total allele frequency: <0.001%). Predicted Consequence/Location: Frameshift: predicted to result in a loss or disruption of normal protein function through nonsense-mediated decay (NMD) or protein truncation. Multiple pathogenic variants are reported downstream of the variant. Therefore, this variant is classified as Likely pathogenic according to the recommendation of ACMG/AMP guideline.

NM_001377.3(DYNC2H1):c.8019dup (p.Ala2674fs)

Gene: DYNC2H1 (dynein cytoplasmic 2 heavy chain 1; plus strand). Cytogenetic location: 11q22.3.
Variant type: Duplication.
Coding change: c.8019dup on transcript NM_001377.3 (MANE Select); coding-DNA position 8019, one base duplicated (A; older notation c.8019dupA).
Protein change: p.Ala2674fs; shifts the reading frame from alanine 2674.
Molecular consequence: frameshift variant.
Genome position (GRCh38, 1-based): chr11:103,199,407, A duplicated. VCF-style (leftmost placement, unchanged base first): chr11-103199406-G-GA. GRCh37 (hg19) VCF-style: chr11-103070135-G-GA.
Other names: c.8019dup, p.Ala2674fs (NM_001080463.2); short protein forms A2674fs.
Identifiers: ClinVar variation 4293791 (VCV004293791.1).
Genomic context (GRCh38, chr11:103,199,406, plus strand): 5'-TAGCAGGACGCAGTGGTGTAGGTCGTCGGACCATCACTTCTTTAGTCAGTCACATGCATG[G>GA]AGCGGTCCTGTTTTCTCCAAAGATTTCCAGAGGATATGAACTGAAGCAGTTCAAAAATGA-3'